The following is an entry in ClinVar:

NM_206933.4(USH2A):c.3072_3075del (p.Lys1024fs)

Genes: USH2A (usherin; minus strand), USH2A-AS1 (USH2A antisense RNA 1; plus strand). Cytogenetic location: 1q41.
Variant type: Deletion.
Coding change: c.3072_3075del on transcript NM_206933.4 (MANE Select); coding-DNA positions 3072 to 3075, 4 bases deleted (ACAA; older notation c.3072_3075delACAA).
Protein change: p.Lys1024fs; shifts the reading frame from lysine 1024.
Molecular consequence: frameshift variant.
Genome position (GRCh38, 1-based): chr1:216,217,469-216,217,472, TTGT deleted on the plus strand (ACAA on the coding strand, the reverse complement: USH2A is on the minus strand); deleting any 4 consecutive bases within chr1:216,217,469-216,217,474 gives the same sequence; the c. name uses the placement nearest the transcript's 3' end. VCF-style (leftmost placement, unchanged base first): chr1-216217468-ATTGT-A. GRCh37 (hg19) VCF-style: chr1-216390810-ATTGT-A.
Other names: c.3072_3075del, p.Lys1024fs (NM_007123.6); short protein forms K1024fs.
Identifiers: ClinVar variation 1724137 (VCV001724137.2), dbSNP rs2528087541, ClinGen allele CA2580062150.

ClinVar aggregate classification (germline): Likely pathogenic (1 of 4 stars; one submission).

Conditions:
Usher syndrome type 2A. Also called: RETINAL DISEASE IN USHER SYNDROME TYPE IIA, MODIFIER OF; USHER SYNDROME, TYPE IIA. Identifiers: Orphanet 231178, Orphanet 886, MedGen C1848634, MONDO:0010169, OMIM 276901.

Submission:

Myriad Genetics, Inc.
Classification: Likely pathogenic for Usher syndrome type 2A. Last evaluated: 2022-01-27. Review status: criteria provided, single submitter. Criteria: Myriad Women's Health Autosomal Recessive and X-Linked Classification Criteria (2021). Collection method: clinical testing. Allele origin: unknown.
Comment: NM_206933.2(USH2A):c.3072_3075delACAA(K1024Nfs*87) is expected to be pathogenic in the context of USH2A-related disorders. This variant is predicted to lead to an abnormal or absent protein product due to the creation of a premature termination codon in USH2A, a gene where loss-of-function variants are known to be pathogenic. Please note: this variant was assessed in the context of healthy population screening.